The following is an entry in ClinVar:

NM_005343.4(HRAS):c.330C>T (p.Pro110=)

Genes: LRRC56 (leucine rich repeat containing 56; plus strand), HRAS (HRas proto-oncogene, GTPase; minus strand). Cytogenetic location: 11p15.5.
Variant type: single nucleotide variant.
Coding change: c.330C>T on transcript NM_005343.4 (MANE Select); coding-DNA position 330, C replaced by T.
Protein change: p.Pro110=; no amino-acid change (proline 110 retained).
Molecular consequence: synonymous variant. On other transcripts: missense variant (1).
Genome position (GRCh38, 1-based): chr11:533,573, G>A on the plus strand (C>T on the coding strand, the complement: HRAS is on the minus strand). VCF-style: chr11-533573-G-A. GRCh37 (hg19) VCF-style: chr11-533573-G-A.
Other names: c.330C>T, p.Pro110= (NM_001130442.3, NM_176795.5); c.11C>T, p.Pro4Leu (NM_001318054.2); c.11C>T (NM_001318054.1); short protein forms P4L.
Identifiers: ClinVar variation 45300 (VCV000045300.24), dbSNP rs200747280, ClinGen allele CA135976.
Genomic context (GRCh38, chr11:533,573, plus strand): 5'-AGCCTGCCGAGATTCCACAGTGCGTGCAGCCAGGTCACACTTGTTCCCCACCAGCACCAT[G>A]GGCACGTCATCCGAGTCCTTCACCCGTTTGATCTGCTCCCTGAGAGGTGGAAAGCGAGAG-3'
Protein context (NP_005334.1, residues 100-120): IKRVKDSDDV[Pro110=]MVLVGNKCDL

ClinVar aggregate classification (germline): Benign/Likely benign. Review status: criteria provided, multiple submitters, no conflicts (2 of 4 stars). 9 submissions from 9 submitters: Benign (2); Likely benign (6). 1 of the submissions does not count toward it. Last evaluated 2026-01-15.

Conditions:
HRAS-related disorder. Also called: HRAS-related condition.
Cardiovascular phenotype. Identifiers: MedGen CN230736.
Large congenital melanocytic nevus (CMNS). Also called: PIGMENTED MOLES; MELANOCYTIC NEVUS SYNDROME, CONGENITAL, SOMATIC; Congenital giant melanocytic nevus; Giant hairy nevus; Bathing trunk nevus; Congenital giant pigmented nevus. Identifiers: Orphanet 626, MedGen C1842036, MONDO:0044792, OMIM 137550, HP:0005600.
Linear nevus sebaceous syndrome. Also called: SCHIMMELPENNING-FEUERSTEIN-MIMS SYNDROME, SOMATIC MOSAIC; Linear nevus sebaceous; JADASSOHN NEVUS PHAKOMATOSIS; NEVUS SEBACEUS OF JADASSOHN; ORGANOID NEVUS PHAKOMATOSIS; SFM SYNDROME. Identifiers: Orphanet 2612, MedGen C4552097, MONDO:0008097, OMIM 163200, HP:0010817.
Malignant tumor of urinary bladder. Also called: Bladder cancer; Urinary bladder cancer; Urinary Bladder Neoplasms. Identifiers: MedGen C0005684, MONDO:0001187, OMIM 109800.
Costello syndrome (CSTLO). Also called: FACIOCUTANEOSKELETAL SYNDROME; FCS SYNDROME; HRAS-Related Costello Syndrome. Identifiers: Orphanet 3071, MedGen C0587248, MONDO:0009026, OMIM 218040.
Thyroid cancer, nonmedullary, 2 (NMTC2). Also called: THYROID CARCINOMA, FOLLICULAR; THYROID CANCER, NONMEDULLARY, 2, SUSCEPTIBILITY TO; Thyroid carcinoma, follicular, somatic. Identifiers: MedGen C4225426, MONDO:0008566, OMIM 188470.
Epidermal nevus. Also called: Nevus, epidermal, somatic; NEVUS, KERATINOCYTIC, NONEPIDERMOLYTIC. Identifiers: Orphanet 79414, MedGen C0334082, MONDO:0008093, OMIM 162900, HP:0010816.
Noonan syndrome and Noonan-related syndrome. Identifiers: Orphanet 98733, MedGen C5681679, MONDO:0020297.

Allele frequency attached by ClinVar (database versions not stated): ExAC 0.00003; gnomAD 0.00009 and 0.00011; TOPMed 0.00010; ESP Exome Variant Server 0.00015; gnomAD exomes 0.00016.
gnomAD v4.1: 241 of 1,613,764 alleles (0.015%); highest among the groups gnomAD compares: Non-Finnish European, 0.02%; no homozygotes.

Submissions (9):

Labcorp Genetics (formerly Invitae), Labcorp
Classification: Likely benign for Costello syndrome. Last evaluated: 2026-01-15. Review status: criteria provided, single submitter. Criteria: Invitae Variant Classification Sherloc (09022015). Collection method: clinical testing. Allele origin: germline.

Blueprint Genetics
Classification: Likely benign. Last evaluated: 2024-04-26. Review status: criteria provided, single submitter. Criteria: ACMG Guidelines, 2015. Collection method: clinical testing. Allele origin: germline.

Ambry Genetics
Classification: Likely benign for Cardiovascular phenotype. Last evaluated: 2022-07-14. Review status: criteria provided, single submitter. Criteria: Ambry Variant Classification Scheme 2023. Collection method: clinical testing. Allele origin: germline.

Fulgent Genetics
Classification: Likely benign for Malignant tumor of urinary bladder; Large congenital melanocytic nevus; Epidermal nevus; Linear nevus sebaceous syndrome; Thyroid cancer, nonmedullary, 2; Costello syndrome. Last evaluated: 2021-07-28. Review status: criteria provided, single submitter. Criteria: ACMG Guidelines, 2015. Collection method: clinical testing. Allele origin: unknown.

Women's Health and Genetics/Laboratory Corporation of America, LabCorp
Classification: Benign. Last evaluated: 2021-06-13. Review status: criteria provided, single submitter. Criteria: LabCorp Variant Classification Summary - May 2015. Collection method: clinical testing. Allele origin: germline.

Genome Diagnostics Laboratory, The Hospital for Sick Children
Classification: Likely benign for Noonan syndrome and Noonan-related syndrome. Last evaluated: 2021-03-30. Review status: criteria provided, single submitter. Criteria: ACMG Guidelines, 2015. Collection method: clinical testing. Allele origin: germline.

GeneDx
Classification: Benign. Last evaluated: 2017-03-24. Review status: criteria provided, single submitter. Criteria: GeneDx Variant Classification (06012015). Collection method: clinical testing. Allele origin: germline. Affected: yes.
Comment: This variant is considered likely benign or benign based on one or more of the following criteria: it is a conservative change, it occurs at a poorly conserved position in the protein, it is predicted to be benign by multiple in silico algorithms, and/or has population frequency not consistent with disease.

Laboratory for Molecular Medicine, Mass General Brigham Personalized Medicine
Classification: Likely benign. Last evaluated: 2012-01-30. Review status: criteria provided, single submitter. Criteria: LMM Criteria. Collection method: clinical testing. Allele origin: germline. Observed: 1 variant allele.
Comment: Pro110Pro in exon 4 of HRAS: This variant is not expected to have clinical signi ficance because it does not alter an amino acid residue, is not located within t he splice consensus sequence, and it has been identified in <0.1% (2/3738) of Af rican American chromosomes by the NHLBI Exome sequencing project in a broad popu lation.

PreventionGenetics, part of Exact Sciences
Classification: Likely benign for HRAS-related condition. Last evaluated: 2024-03-26. Review status: no assertion criteria provided. Collection method: clinical testing. Allele origin: germline. Not counted in ClinVar's aggregate classification.
Comment: This variant is classified as likely benign based on ACMG/AMP sequence variant interpretation guidelines (Richards et al. 2015 PMID: 25741868, with internal and published modifications).